The following is an entry in ClinVar:

NM_016277.5(RAB23):c.337G>A (p.Asp113Asn)

Gene: RAB23 (RAB23, member RAS oncogene family; minus strand). Cytogenetic location: 6p12.1.
Variant type: single nucleotide variant.
Coding change: c.337G>A on transcript NM_016277.5 (MANE Select); coding-DNA position 337, G replaced by A.
Protein change: p.Asp113Asn; replaces aspartic acid 113 with asparagine.
Molecular consequence: missense variant.
Genome position (GRCh38, 1-based): chr6:57,196,511, C>T on the plus strand (G>A on the coding strand, the complement: RAB23 is on the minus strand). VCF-style: chr6-57196511-C-T. GRCh37 (hg19) VCF-style: chr6-57061309-C-T.
Other names: c.337G>A, p.Asp113Asn (NM_001278666.2, NM_001278667.2, NM_001278668.2 and 1 more transcripts); short protein forms D113N.
Identifiers: ClinVar variation 566458 (VCV000566458.10), dbSNP rs748398827, ClinGen allele CA364626399.

ClinVar aggregate classification (germline): Uncertain significance (1 of 4 stars; one submission).

Conditions:
Carpenter syndrome. Identifiers: Orphanet 65759, MedGen C1275078, MONDO:0019012.

gnomAD v4.1: 1 of 1,614,024 alleles (0.000062%); no homozygotes.

Submission:

Labcorp Genetics (formerly Invitae), Labcorp
Classification: Uncertain significance for Carpenter syndrome. Last evaluated: 2018-05-03. Review status: criteria provided, single submitter. Criteria: Invitae Variant Classification Sherloc (09022015). Collection method: clinical testing. Allele origin: germline.
Comment: This sequence change replaces aspartic acid with asparagine at codon 113 of the RAB23 protein (p.Asp113Asn). The aspartic acid residue is highly conserved and there is a small physicochemical difference between aspartic acid and asparagine. This variant is not present in population databases (ExAC no frequency). In summary, the available evidence is currently insufficient to determine the role of this variant in disease. Therefore, it has been classified as a Variant of Uncertain Significance. Algorithms developed to predict the effect of missense changes on protein structure and function do not agree on the potential impact of this missense change (SIFT: "Deleterious"; PolyPhen-2: "Benign"; Align-GVGD: "Class C0"). This variant has not been reported in the literature in individuals with RAB23-related disease.